The following is an entry in ClinVar:

ClinVar aggregate classification (germline): Likely pathogenic. Review status: criteria provided, multiple submitters, no conflicts (2 of 4 stars). 3 submissions from 3 submitters: Likely pathogenic (3). Last evaluated 2026-03-27.

Conditions:
BBS12-related disorder. Also called: BBS12-related condition.
Bardet-Biedl syndrome 12 (BBS12). Identifiers: Orphanet 110, MedGen C1859570, MONDO:0014440, OMIM 615989.

Allele frequency attached by ClinVar (database versions not stated): TOPMed below 0.00001.

Submissions (3):

PreventionGenetics, part of Exact Sciences
Classification: Likely pathogenic for BBS12-related condition. Last evaluated: 2026-03-27. Review status: criteria provided, single submitter. Criteria: ACMG Guidelines, 2015. Collection method: clinical testing. Allele origin: germline.
Comment: The BBS12 c.1531C>T variant is predicted to result in premature protein termination (p.Gln511*). This variant was reported with a second BBS12 variant in an individual with congenital anomalies of the kidneys and urinary tract (Table S8 in Seltzsam et al. 2022. PubMed ID: 34906515). This variant has not been reported in a large population database (gnomAD), indicating this variant is rare. Nonsense variants in BBS12 are expected to be pathogenic. This variant is interpreted as likely pathogenic.

GeneDx
Classification: Likely pathogenic. Last evaluated: 2025-04-04. Review status: criteria provided, single submitter. Criteria: GeneDx Variant Classification Process June 2021. Collection method: clinical testing. Allele origin: germline. Affected: yes.
Comment: Not observed at significant frequency in large population cohorts (gnomAD); Nonsense variant predicted to result in protein truncation, as the last 200 amino acids are lost, and other loss-of-function variants have been reported downstream in HGMD; This variant is associated with the following publications: (PMID: 34906515)

Baylor Genetics
Classification: Likely pathogenic for Bardet-Biedl syndrome 12. Last evaluated: 2023-12-02. Review status: criteria provided, single submitter. Criteria: ACMG Guidelines, 2015. Collection method: clinical testing. Allele origin: unknown.

NM_152618.3(BBS12):c.1531C>T (p.Gln511Ter)

Gene: BBS12 (Bardet-Biedl syndrome 12; plus strand). Cytogenetic location: 4q27.
Variant type: single nucleotide variant.
Coding change: c.1531C>T on transcript NM_152618.3 (MANE Select); coding-DNA position 1531, C replaced by T.
Protein change: p.Gln511Ter; replaces glutamine 511 with a stop codon.
Molecular consequence: nonsense.
Genome position (GRCh38, 1-based): chr4:122,743,423, C>T. VCF-style: chr4-122743423-C-T. GRCh37 (hg19) VCF-style: chr4-123664578-C-T.
Other names: c.1531C>T, p.Gln511Ter (NM_001178007.2); c.1531C>T (NM_152618.2); short protein forms Q511*.
Identifiers: ClinVar variation 2679996 (VCV002679996.4), dbSNP rs1800925762, ClinGen allele CA358225313.